The following is an entry in ClinVar:

NM_000810.4(GABRA5):c.1155C>T (p.Pro385=)

Gene: GABRA5 (gamma-aminobutyric acid type A receptor subunit alpha5; plus strand). Cytogenetic location: 15q12.
Variant type: single nucleotide variant.
Coding change: c.1155C>T on transcript NM_000810.4 (MANE Select); coding-DNA position 1155, C replaced by T.
Protein change: p.Pro385=; no amino-acid change (proline 385 retained).
Molecular consequence: synonymous variant.
Genome position (GRCh38, 1-based): chr15:26,947,999, C>T. VCF-style: chr15-26947999-C-T. GRCh37 (hg19) VCF-style: chr15-27193146-C-T.
Other names: c.1155C>T, p.Pro385= (NM_001165037.2).
Identifiers: ClinVar variation 2645028 (VCV002645028.25), dbSNP rs773455093, ClinGen allele CA7438048.

ClinVar aggregate classification (germline): Benign/Likely benign. Review status: criteria provided, multiple submitters, no conflicts (2 of 4 stars). 2 submissions from 2 submitters: Benign (1); Likely benign (1). Last evaluated 2024-07-11.

Allele frequency attached by ClinVar (database versions not stated): gnomAD 0.00006; ExAC 0.00026.
gnomAD v4.1: 124 of 1,599,268 alleles (0.0078%); highest among the groups gnomAD compares: South Asian, 0.12%; 2 homozygotes.

Submissions (2):

Blueprint Genetics
Classification: Likely benign. Last evaluated: 2024-07-11. Review status: criteria provided, single submitter. Criteria: ACMG Guidelines, 2015. Collection method: clinical testing. Allele origin: germline.

CeGaT Center for Human Genetics Tuebingen
Classification: Benign. Last evaluated: 2022-05-01. Review status: criteria provided, single submitter. Criteria: CeGaT Center For Human Genetics Tuebingen Variant Classification Criteria Version 2. Collection method: clinical testing. Allele origin: germline. Affected: yes. Observed: 1 variant allele.
Comment: GABRA5: BS1, BS2